The following is an entry in ClinVar:

ClinVar aggregate classification (germline): Uncertain significance (1 of 4 stars; one submission).

Conditions:
MYPN-related disorder. Also called: MYPN-related condition.

Submission:

PreventionGenetics, part of Exact Sciences
Classification: Uncertain significance for MYPN-related condition. Last evaluated: 2025-07-18. Review status: criteria provided, single submitter. Criteria: ACMG Guidelines, 2015. Collection method: clinical testing. Allele origin: germline.
Comment: The MYPN c.1411G>C variant is predicted to result in the amino acid substitution p.Glu471Gln. To our knowledge, this variant has not been reported in the literature or in a large population database (gnomAD), indicating this variant is rare. At this time, the clinical significance of this variant is uncertain due to the absence of conclusive functional and genetic evidence.

NM_032578.4(MYPN):c.1411G>C (p.Glu471Gln)

Gene: MYPN (myopalladin; plus strand). Cytogenetic location: 10q21.3.
Variant type: single nucleotide variant.
Coding change: c.1411G>C on transcript NM_032578.4 (MANE Select); coding-DNA position 1411, G replaced by C.
Protein change: p.Glu471Gln; replaces glutamic acid 471 with glutamine.
Molecular consequence: missense variant. On other transcripts: non-coding transcript variant (2).
Genome position (GRCh38, 1-based): chr10:68,158,579, G>C. VCF-style: chr10-68158579-G-C. GRCh37 (hg19) VCF-style: chr10-69918336-G-C.
Other names: c.1411G>C, p.Glu471Gln (NM_001256267.2); c.529G>C, p.Glu177Gln (NM_001256268.2); short protein forms E177Q, E471Q.
Identifiers: ClinVar variation 5002499 (VCV005002499.1).
Genomic context (GRCh38, chr10:68,158,579, plus strand): 5'-CTGGTTGTCTTTGAATGCAGAGTAAAAGGAGCTCCATCTCCTAAGGTTGAGTGGTATAGA[G>C]AAGGGACTTTAATAGAAGATTCTCCAGATTTTAGGATTTTACAGAAAAGTAAGTTAATAC-3'
Protein context (NP_115967.2, residues 461-481): APSPKVEWYR[Glu471Gln]GTLIEDSPDF